The following is an entry in ClinVar:

ClinVar aggregate classification (germline): Pathogenic (1 of 4 stars; one submission).

Conditions:
Mitochondrial DNA depletion syndrome, encephalomyopathic form with methylmalonic aciduria (MTDPS5). Also called: Mitochondrial encephalomyopathy aminoacidopathy; MITOCHONDRIAL DNA DEPLETION SYNDROME, ENCEPHALOMYOPATHIC FORM, WITH OR WITHOUT METHYLMALONIC ACIDURIA, AUTOSOMAL RECESSIVE, SUCLA2-RELATED; Mitochondrial DNA depletion syndrome 5 (encephalomyopathic with or without methylmalonic aciduria); SUCLA2-Related Mitochondrial DNA Depletion Syndrome, Encephalomyopathic Form with Methylmalonic Aciduria. Identifiers: Orphanet 1933, MedGen C5980207, MONDO:0012791, OMIM 612073.

Allele frequency attached by ClinVar (database versions not stated): gnomAD exomes below 0.00001.
gnomAD v4.1: 1 of 1,613,910 alleles (0.000062%); highest among the groups gnomAD compares: Non-Finnish European, 0.000085%; no homozygotes.

Submission:

3billion
Classification: Pathogenic for Mitochondrial DNA depletion syndrome, encephalomyopathic form with methylmalonic aciduria. Last evaluated: 2023-02-23. Review status: criteria provided, single submitter. Criteria: ACMG Guidelines, 2015. Collection method: clinical testing. Allele origin: unknown. Affected: yes.
Comment: The variant is not observed in the gnomAD v2.1.1 dataset. This variant was predicted to alter splicing and result in a loss or disruption of normal protein function. Multiple pathogenic loss-of-function variants are reported downstream of the variant. Therefore, this variant is classified as Pathogenic according to the recommendation of ACMG/AMP guideline.

NM_003850.3(SUCLA2):c.964+1G>A

Gene: SUCLA2 (succinate-CoA ligase ADP-forming subunit beta; minus strand). Cytogenetic location: 13q14.2.
Variant type: single nucleotide variant.
Coding change: c.964+1G>A on transcript NM_003850.3 (MANE Select); the canonical splice donor site of the intron after coding-DNA position 964, G replaced by A.
Molecular consequence: splice donor variant.
Genome position (GRCh38, 1-based): chr13:47,954,395, C>T on the plus strand (G>A on the coding strand, the complement: SUCLA2 is on the minus strand). VCF-style: chr13-47954395-C-T. GRCh37 (hg19) VCF-style: chr13-48528530-C-T.
Identifiers: ClinVar variation 2444289 (VCV002444289.1), dbSNP rs2541673501, ClinGen allele CA388145469.